The following is an entry in ClinVar:

ClinVar aggregate classification (germline): Uncertain significance (1 of 4 stars; one submission).

Submission:

Ambry Genetics
Classification: Uncertain significance. Last evaluated: 2024-11-28. Review status: criteria provided, single submitter. Criteria: Ambry Variant Classification Scheme 2023. Collection method: clinical testing. Allele origin: germline.
Comment: The p.D1591A variant (also known as c.4772A>C), located in coding exon 19 of the WNK2 gene, results from an A to C substitution at nucleotide position 4772. The aspartic acid at codon 1591 is replaced by alanine, an amino acid with dissimilar properties. This amino acid position is conserved. In addition, this alteration is predicted to be tolerated by in silico analysis. Based on the available evidence, the clinical significance of this variant remains unclear.

NM_006648.4(WNK2):c.4772A>C (p.Asp1591Ala)

Gene: WNK2 (WNK lysine deficient protein kinase 2; plus strand). Cytogenetic location: 9q22.31.
Variant type: single nucleotide variant.
Coding change: c.4772A>C on transcript NM_006648.4 (MANE Select); coding-DNA position 4772, A replaced by C.
Protein change: p.Asp1591Ala; replaces aspartic acid 1591 with alanine.
Molecular consequence: missense variant.
Genome position (GRCh38, 1-based): chr9:93,289,526, A>C. VCF-style: chr9-93289526-A-C. GRCh37 (hg19) VCF-style: chr9-96051808-A-C.
Other names: c.4883A>C, p.Asp1628Ala (NM_001282394.3); short protein forms D1591A, D1628A.
Identifiers: ClinVar variation 3470496 (VCV003470496.1).